The following is an entry in ClinVar:

ClinVar aggregate classification (germline): Uncertain significance. Review status: criteria provided, multiple submitters, no conflicts (2 of 4 stars). 3 submissions from 3 submitters: Uncertain significance (3). Last evaluated 2025-01-02.

Conditions:
Hypertrophic cardiomyopathy 26. Also called: Cardiomyopathy, familial hypertrophic, 26. Identifiers: Orphanet 75249, MedGen C4310749, MONDO:0014883, OMIM 617047.
Myofibrillar myopathy 5. Also called: Filaminopathy (type); FILAMINOPATHY, AUTOSOMAL DOMINANT. Identifiers: Orphanet 171445, MedGen C1836050, MONDO:0012289, OMIM 609524.
Distal myopathy with posterior leg and anterior hand involvement. Also called: WILLIAMS DISTAL MYOPATHY. Identifiers: Orphanet 63273, MedGen C3279722, MONDO:0013550, OMIM 614065.
Cardiovascular phenotype. Identifiers: MedGen CN230736.

gnomAD v4.1: 1 of 1,612,622 alleles (0.000062%); highest among the groups gnomAD compares: East Asian, 0.0022%; no homozygotes.

Submissions (3):

GeneDx
Classification: Uncertain significance. Last evaluated: 2025-01-02. Review status: criteria provided, single submitter. Criteria: GeneDx Variant Classification Process June 2021. Collection method: clinical testing. Allele origin: germline. Affected: yes.
Comment: Not observed at significant frequency in large population cohorts (gnomAD); In silico analysis supports that this missense variant has a deleterious effect on protein structure/function; Has not been previously published as pathogenic or benign to our knowledge

Labcorp Genetics (formerly Invitae), Labcorp
Classification: Uncertain significance for Distal myopathy with posterior leg and anterior hand involvement; Myofibrillar myopathy 5; Hypertrophic cardiomyopathy 26. Last evaluated: 2022-12-02. Review status: criteria provided, single submitter. Criteria: Invitae Variant Classification Sherloc (09022015). Collection method: clinical testing. Allele origin: germline.
Comment: This sequence change replaces glutamic acid, which is acidic and polar, with glutamine, which is neutral and polar, at codon 286 of the FLNC protein (p.Glu286Gln). In summary, the available evidence is currently insufficient to determine the role of this variant in disease. Therefore, it has been classified as a Variant of Uncertain Significance. Advanced modeling of protein sequence and biophysical properties (such as structural, functional, and spatial information, amino acid conservation, physicochemical variation, residue mobility, and thermodynamic stability) has been performed at Invitae for this missense variant, however the output from this modeling did not meet the statistical confidence thresholds required to predict the impact of this variant on FLNC protein function. ClinVar contains an entry for this variant (Variation ID: 648674). This variant has not been reported in the literature in individuals affected with FLNC-related conditions. This variant is not present in population databases (gnomAD no frequency).

Ambry Genetics
Classification: Uncertain significance for Cardiovascular phenotype. Last evaluated: 2018-12-30. Review status: criteria provided, single submitter. Criteria: Ambry Variant Classification Scheme 2023. Collection method: clinical testing. Allele origin: germline.
Comment: The p.E286Q variant (also known as c.856G>C), located in coding exon 5 of the FLNC gene, results from a G to C substitution at nucleotide position 856. The glutamic acid at codon 286 is replaced by glutamine, an amino acid with highly similar properties. This amino acid position is highly conserved in available vertebrate species. In addition, the in silico prediction for this alteration is inconclusive. Since supporting evidence is limited at this time, the clinical significance of this alteration remains unclear.

NM_001458.5(FLNC):c.856G>C (p.Glu286Gln)

Gene: FLNC (filamin C; plus strand). Cytogenetic location: 7q32.1.
Variant type: single nucleotide variant.
Coding change: c.856G>C on transcript NM_001458.5 (MANE Select); coding-DNA position 856, G replaced by C.
Protein change: p.Glu286Gln; replaces glutamic acid 286 with glutamine.
Molecular consequence: missense variant.
Genome position (GRCh38, 1-based): chr7:128,837,642, G>C. VCF-style: chr7-128837642-G-C. GRCh37 (hg19) VCF-style: chr7-128477696-G-C.
Other names: c.856G>C, p.Glu286Gln (NM_001127487.2); short protein forms E286Q.
Identifiers: ClinVar variation 648674 (VCV000648674.12), dbSNP rs1274480597, ClinGen allele CA369222856.